The following is an entry in ClinVar:

NM_004329.3(BMPR1A):c.804A>G (p.Glu268=)

Gene: BMPR1A (bone morphogenetic protein receptor type 1A; plus strand). Cytogenetic location: 10q23.2.
Variant type: single nucleotide variant.
Coding change: c.804A>G on transcript NM_004329.3 (MANE Select); coding-DNA position 804, A replaced by G.
Protein change: p.Glu268=; no amino-acid change (glutamic acid 268 retained).
Molecular consequence: synonymous variant. On other transcripts: non-coding transcript variant (3).
Genome position (GRCh38, 1-based): chr10:86,917,262, A>G. VCF-style: chr10-86917262-A-G. GRCh37 (hg19) VCF-style: chr10-88677019-A-G.
Other names: c.879A>G, p.Glu293= (NM_001406559.1); c.852A>G, p.Glu284= (NM_001406560.1); c.804A>G, p.Glu268= (NM_001406561.1, NM_001406562.1, NM_001406563.1 and 19 more transcripts); c.798A>G, p.Glu266= (NM_001406583.1); c.720A>G, p.Glu240= (NM_001406584.1, NM_001406585.1, NM_001406586.1 and 2 more transcripts); c.462A>G, p.Glu154= (NM_001406589.1).
Identifiers: ClinVar variation 3073004 (VCV003073004.1), dbSNP rs2539604590, ClinGen allele CA470308076.

ClinVar aggregate classification (germline): Likely benign (1 of 4 stars; one submission).

Conditions:
Juvenile polyposis syndrome (JPS). Identifiers: Orphanet 2929, MedGen C0345893, MONDO:0017380, OMIM 174900.

Allele frequency attached by ClinVar (database versions not stated): gnomAD exomes below 0.00001.
gnomAD v4.1: 2 of 1,614,078 alleles (0.00012%); highest among the groups gnomAD compares: East Asian, 0.0045%; no homozygotes.

Submission:

All of Us Research Program, National Institutes of Health
Classification: Likely benign for Juvenile polyposis syndrome. Last evaluated: 2023-08-15. Review status: criteria provided, single submitter. Criteria: ACMG Guidelines, 2015. Collection method: clinical testing. Allele origin: germline. Inheritance: Autosomal dominant inheritance. Observed: 1 variant allele, 1 heterozygote.
Comment: This study involves interpretation of variants in research participants for the purpose of population health screening. Participant phenotype was not available at the time of variant classification. Additional details can be found in publication PMID: 35346344, PMCID: PMC8962531